The following is an entry in ClinVar:

NM_001080467.3(MYO5B):c.1135C>T (p.Arg379Cys)

Gene: MYO5B (myosin VB; minus strand). Cytogenetic location: 18q21.1.
Variant type: single nucleotide variant.
Coding change: c.1135C>T on transcript NM_001080467.3 (MANE Select); coding-DNA position 1135, C replaced by T.
Protein change: p.Arg379Cys; replaces arginine 379 with cysteine.
Molecular consequence: missense variant.
Genome position (GRCh38, 1-based): chr18:49,974,537, G>A on the plus strand (C>T on the coding strand, the complement: MYO5B is on the minus strand). VCF-style: chr18-49974537-G-A. GRCh37 (hg19) VCF-style: chr18-47500907-G-A.
Other names: c.1135C>T (NM_001080467.2); short protein forms R379C.
Identifiers: ClinVar variation 1496410 (VCV001496410.7), dbSNP rs190998983, ClinGen allele CA8961631.

ClinVar aggregate classification (germline): Uncertain significance. Review status: criteria provided, multiple submitters, no conflicts (2 of 4 stars). 2 submissions from 2 submitters: Uncertain significance (2). Last evaluated 2026-01-14.

Conditions:
MYO5B-related disorder. Also called: MYO5B-related condition.

Allele frequency attached by ClinVar (database versions not stated): 1000 Genomes Project 0.00020; gnomAD 0.00004 and 0.00003; ExAC 0.00012; 1000 Genomes Project 30x 0.00031; TOPMed 0.00007; gnomAD exomes 0.00010.
gnomAD v4.1: 93 of 1,614,174 alleles (0.0058%); highest among the groups gnomAD compares: South Asian, 0.054%; 1 homozygote.

Submissions (2):

PreventionGenetics, part of Exact Sciences
Classification: Uncertain significance for MYO5B-related condition. Last evaluated: 2026-01-14. Review status: criteria provided, single submitter. Criteria: ACMG Guidelines, 2015. Collection method: clinical testing. Allele origin: germline.
Comment: The MYO5B c.1135C>T variant is predicted to result in the amino acid substitution p.Arg379Cys. This variant has been reported in the compound heterozygous state with a second MYO5B variant in a patient with cholestasis, however, a MYO5B splice site variant was also present in cis (Gonzales et al. 2017. PubMed ID: 27532546). An alternate missense change at the same amino acid position (p.Arg379Pro) has been reported in an individual with cholestasis (Qiu et al. 2017. PubMed ID: 28027573). This variant is reported in 0.056% of alleles in individuals of South Asian descent in gnomAD including one homozygote. At this time, the clinical significance of this variant is uncertain due to the absence of conclusive functional and genetic evidence.

Labcorp Genetics (formerly Invitae), Labcorp
Classification: Uncertain significance. Last evaluated: 2022-10-17. Review status: criteria provided, single submitter. Criteria: Invitae Variant Classification Sherloc (09022015). Collection method: clinical testing. Allele origin: germline.
Comment: This sequence change replaces arginine, which is basic and polar, with cysteine, which is neutral and slightly polar, at codon 379 of the MYO5B protein (p.Arg379Cys). This variant is present in population databases (rs190998983, gnomAD 0.05%), including at least one homozygous and/or hemizygous individual. This missense change has been observed in individual(s) with cholestasis (PMID: 27532546). ClinVar contains an entry for this variant (Variation ID: 1496410). Advanced modeling of protein sequence and biophysical properties (such as structural, functional, and spatial information, amino acid conservation, physicochemical variation, residue mobility, and thermodynamic stability) performed at Invitae indicates that this missense variant is expected to disrupt MYO5B protein function. In summary, the available evidence is currently insufficient to determine the role of this variant in disease. Therefore, it has been classified as a Variant of Uncertain Significance.

Literature cited by the submitters: PubMed 27532546 (cited by Labcorp Genetics (formerly Invitae), Labcorp).